The following is an entry in ClinVar:

ClinVar aggregate classification (germline): Benign/Likely benign. Review status: criteria provided, multiple submitters, no conflicts (2 of 4 stars). 6 submissions from 6 submitters: Benign (5); Likely benign (1). Last evaluated 2026-07-01.

Allele frequency attached by ClinVar (database versions not stated): 1000 Genomes Project 30x 0.00265; 1000 Genomes Project 0.00280; TOPMed 0.00674; gnomAD 0.00768; ESP Exome Variant Server 0.00777; gnomAD exomes 0.00798 and 0.00995; ExAC 0.00942.
gnomAD v4.1: 15,456 of 1,613,936 alleles (0.96%); highest among the groups gnomAD compares: Non-Finnish European, 1.2%; 106 homozygotes.

Submissions (6):

CeGaT Center for Human Genetics Tuebingen
Classification: Benign. Last evaluated: 2026-07-01. Review status: criteria provided, single submitter. Criteria: CeGaT Center For Human Genetics Tuebingen Variant Classification Criteria Version 2. Collection method: clinical testing. Allele origin: germline. Affected: yes. Observed: 21 variant alleles.
Comment: GTPBP3: BP4, BP7, BS1, BS2

Labcorp Genetics (formerly Invitae), Labcorp
Classification: Benign. Last evaluated: 2026-02-02. Review status: criteria provided, single submitter. Criteria: Invitae Variant Classification Sherloc (09022015). Collection method: clinical testing. Allele origin: germline.

Blueprint Genetics
Classification: Likely benign. Last evaluated: 2024-11-26. Review status: criteria provided, single submitter. Criteria: ACMG Guidelines, 2015. Collection method: clinical testing. Allele origin: germline.

Mayo Clinic Laboratories, Mayo Clinic
Classification: Benign. Last evaluated: 2022-11-16. Review status: criteria provided, single submitter. Criteria: ACMG Guidelines, 2015. Collection method: clinical testing. Allele origin: germline. Observed: 4 variant alleles.
Comment: BS1, BS2, BP4, BP7

GeneDx
Classification: Benign. Last evaluated: 2016-08-18. Review status: criteria provided, single submitter. Criteria: GeneDx Variant Classification (06012015). Collection method: clinical testing. Allele origin: germline. Affected: yes.
Comment: This variant is considered likely benign or benign based on one or more of the following criteria: it is a conservative change, it occurs at a poorly conserved position in the protein, it is predicted to be benign by multiple in silico algorithms, and/or has population frequency not consistent with disease.

Breakthrough Genomics
Classification: Benign. Review status: criteria provided, single submitter. Criteria: ACMG Guidelines, 2015. Collection method: not provided. Allele origin: germline. Inheritance: Autosomal recessive inheritance. Affected: yes.

NM_032620.4(GTPBP3):c.1366C>T (p.Leu456=)

Gene: GTPBP3 (GTP binding protein 3, mitochondrial; plus strand). Cytogenetic location: 19p13.11.
Variant type: single nucleotide variant.
Coding change: c.1366C>T on transcript NM_032620.4 (MANE Select); coding-DNA position 1366, C replaced by T.
Protein change: p.Leu456=; no amino-acid change (leucine 456 retained).
Molecular consequence: synonymous variant.
Genome position (GRCh38, 1-based): chr19:17,341,590, C>T. VCF-style: chr19-17341590-C-T. GRCh37 (hg19) VCF-style: chr19-17452399-C-T.
Other names: p.Leu488=; c.1303C>T, p.Leu435= (NM_001128855.3); c.1432C>T, p.Leu478= (NM_001195422.1); c.1462C>T, p.Leu488= (NM_133644.4).
Identifiers: ClinVar variation 380170 (VCV000380170.39), dbSNP rs61730224, ClinGen allele CA9293717.